The following is an entry in ClinVar:

NM_000051.4(ATM):c.5741A>G (p.Asp1914Gly)

Gene: ATM (ATM serine/threonine kinase; plus strand). Cytogenetic location: 11q22.3.
Variant type: single nucleotide variant.
Coding change: c.5741A>G on transcript NM_000051.4 (MANE Select); coding-DNA position 5741, A replaced by G.
Protein change: p.Asp1914Gly; replaces aspartic acid 1914 with glycine.
Molecular consequence: missense variant.
Genome position (GRCh38, 1-based): chr11:108,307,963, A>G. VCF-style: chr11-108307963-A-G. GRCh37 (hg19) VCF-style: chr11-108178690-A-G.
Other names: c.5741A>G, p.Asp1914Gly (NM_001351834.2); short protein forms D1914G.
Identifiers: ClinVar variation 2694753 (VCV002694753.4), dbSNP rs747085104, ClinGen allele CA6265764.

ClinVar aggregate classification (germline): Uncertain significance. Review status: criteria provided, multiple submitters, no conflicts (2 of 4 stars). 2 submissions from 2 submitters: Uncertain significance (2). Last evaluated 2025-02-28.

Conditions:
Ataxia-telangiectasia syndrome (AT). Also called: Cerebello-oculocutaneous telangiectasia; Immunodeficiency with ataxia telangiectasia; Ataxia-telangiectasia, complementation group E; LOUIS-BAR SYNDROME; Ataxia telangiectasia (A-T); AT, COMPLEMENTATION GROUP C. Identifiers: Orphanet 100, MedGen C0004135, MONDO:0008840, OMIM 208900.
Hereditary cancer-predisposing syndrome. Also called: Hereditary Cancer Syndrome; Hereditary neoplastic syndrome; Neoplastic Syndromes, Hereditary; Tumor predisposition. Identifiers: Orphanet 140162, MedGen C0027672, MeSH D009386, MONDO:0015356.

Allele frequency attached by ClinVar (database versions not stated): gnomAD exomes below 0.00001; ExAC 0.00001.

Submissions (2):

Ambry Genetics
Classification: Uncertain significance for Hereditary cancer-predisposing syndrome. Last evaluated: 2025-02-28. Review status: criteria provided, single submitter. Criteria: Ambry Variant Classification Scheme 2023. Collection method: clinical testing. Allele origin: germline.
Comment: The p.D1914G variant (also known as c.5741A>G), located in coding exon 37 of the ATM gene, results from an A to G substitution at nucleotide position 5741. The aspartic acid at codon 1914 is replaced by glycine, an amino acid with similar properties. This variant was reported in individual(s) with breast cancer (Broeks A et al. Breast Cancer Res Treat, 2008 Jan;107:243-8; Tavtigian SV et al. Am J Hum Genet, 2009 Oct;85:427-46). This amino acid position is highly conserved in available vertebrate species. In addition, this alteration is predicted to be deleterious by in silico analysis. Based on the available evidence, the clinical significance of this variant remains unclear.

Labcorp Genetics (formerly Invitae), Labcorp
Classification: Uncertain significance for Ataxia-telangiectasia syndrome. Last evaluated: 2023-05-30. Review status: criteria provided, single submitter. Criteria: Invitae Variant Classification Sherloc (09022015). Collection method: clinical testing. Allele origin: germline.
Comment: In summary, the available evidence is currently insufficient to determine the role of this variant in disease. Therefore, it has been classified as a Variant of Uncertain Significance. An algorithm developed to predict the effect of missense changes on protein structure and function (PolyPhen-2) suggests that this variant is likely to be disruptive. This missense change has been observed in individual(s) with ATM-related conditions (PMID: 17393301, 19781682). This variant is present in population databases (rs747085104, gnomAD 0.002%). This sequence change replaces aspartic acid, which is acidic and polar, with glycine, which is neutral and non-polar, at codon 1914 of the ATM protein (p.Asp1914Gly).

Literature cited by the submitters: PubMed 17393301 (cited by Ambry Genetics and Labcorp Genetics (formerly Invitae), Labcorp); PubMed 19781682 (cited by Ambry Genetics and Labcorp Genetics (formerly Invitae), Labcorp).